The following is an entry in ClinVar:

ClinVar aggregate classification (germline): Uncertain significance (1 of 4 stars; one submission).

Allele frequency attached by ClinVar (database versions not stated): gnomAD exomes 0.00006; 1000 Genomes Project 30x 0.00016; ExAC 0.00016.
gnomAD v4.1: 98 of 1,569,786 alleles (0.0062%); highest among the groups gnomAD compares: Middle Eastern, 0.034%; no homozygotes.

Submission:

Labcorp Genetics (formerly Invitae), Labcorp
Classification: Uncertain significance. Last evaluated: 2025-12-15. Review status: criteria provided, single submitter. Criteria: Invitae Variant Classification Sherloc (09022015). Collection method: clinical testing. Allele origin: germline.
Comment: This sequence change replaces glycine, which is neutral and non-polar, with alanine, which is neutral and non-polar, at codon 4 of the EIF2AK4 protein (p.Gly4Ala). This variant is present in population databases (rs780175001, gnomAD 0.03%). This variant has not been reported in the literature in individuals affected with EIF2AK4-related conditions. ClinVar contains an entry for this variant (Variation ID: 1436783). Invitae Evidence Modeling of protein sequence and biophysical properties (such as structural, functional, and spatial information, amino acid conservation, physicochemical variation, residue mobility, and thermodynamic stability) indicates that this missense variant is not expected to disrupt EIF2AK4 protein function with a negative predictive value of 95%. In summary, the available evidence is currently insufficient to determine the role of this variant in disease. Therefore, it has been classified as a Variant of Uncertain Significance.

NM_001013703.4(EIF2AK4):c.11G>C (p.Gly4Ala)

Genes: EIF2AK4 (eukaryotic translation initiation factor 2 alpha kinase 4; plus strand), LOC130056813 (ATAC-STARR-seq lymphoblastoid silent region 6314; plus strand). Cytogenetic location: 15q15.1.
Variant type: single nucleotide variant.
Coding change: c.11G>C on transcript NM_001013703.4 (MANE Select); coding-DNA position 11, G replaced by C.
Protein change: p.Gly4Ala; replaces glycine 4 with alanine.
Molecular consequence: missense variant.
Genome position (GRCh38, 1-based): chr15:39,934,206, G>C. VCF-style: chr15-39934206-G-C. GRCh37 (hg19) VCF-style: chr15-40226407-G-C.
Other names: short protein forms G4A.
Identifiers: ClinVar variation 1436783 (VCV001436783.6), dbSNP rs780175001, ClinGen allele CA7473358.